The following is an entry in ClinVar:

ClinVar aggregate classification (germline): Likely benign (0 of 4 stars; one submission).

Conditions:
GSC-related disorder. Also called: GSC-related condition.

Submission:

PreventionGenetics, part of Exact Sciences
Classification: Likely benign for GSC-related condition. Last evaluated: 2019-02-19. Review status: no assertion criteria provided. Collection method: clinical testing. Allele origin: germline.
Comment: This variant is classified as likely benign based on ACMG/AMP sequence variant interpretation guidelines (Richards et al. 2015 PMID: 25741868, with internal and published modifications).

NM_173849.3(GSC):c.228C>A (p.Ser76=)

Gene: GSC (goosecoid homeobox; minus strand). Cytogenetic location: 14q32.13.
Variant type: single nucleotide variant.
Coding change: c.228C>A on transcript NM_173849.3 (MANE Select); coding-DNA position 228, C replaced by A.
Protein change: p.Ser76=; no amino-acid change (serine 76 retained).
Molecular consequence: synonymous variant.
Genome position (GRCh38, 1-based): chr14:94,769,788, G>T on the plus strand (C>A on the coding strand, the complement: GSC is on the minus strand). VCF-style: chr14-94769788-G-T. GRCh37 (hg19) VCF-style: chr14-95236125-G-T.
Identifiers: ClinVar variation 3047154 (VCV003047154.2), dbSNP rs2503562892, ClinGen allele CA487797658.